The following is an entry in ClinVar:

ClinVar aggregate classification (germline): Likely benign. Review status: criteria provided, multiple submitters, no conflicts (2 of 4 stars). 3 submissions from 3 submitters: Likely benign (3). Last evaluated 2026-01-05.

Conditions:
Diffuse cerebral and cerebellar atrophy - intractable seizures - progressive microcephaly syndrome. Also called: Microcephaly, progressive, with seizures and cerebral and cerebellar atrophy. Identifiers: Orphanet 404437, MedGen C4014239, MONDO:0014335, OMIM 615760.

Allele frequency attached by ClinVar (database versions not stated): ExAC 0.00007; ESP Exome Variant Server 0.00008; gnomAD exomes 0.00008 and 0.00021; gnomAD 0.00011 and 0.00012; TOPMed 0.00011.
gnomAD v4.1: 334 of 1,614,070 alleles (0.021%); highest among the groups gnomAD compares: Non-Finnish European, 0.026%; no homozygotes.

Submissions (3):

Labcorp Genetics (formerly Invitae), Labcorp
Classification: Likely benign for Diffuse cerebral and cerebellar atrophy - intractable seizures - progressive microcephaly syndrome. Last evaluated: 2026-01-05. Review status: criteria provided, single submitter. Criteria: Invitae Variant Classification Sherloc (09022015). Collection method: clinical testing. Allele origin: germline.

CeGaT Center for Human Genetics Tuebingen
Classification: Likely benign. Last evaluated: 2022-05-01. Review status: criteria provided, single submitter. Criteria: CeGaT Center For Human Genetics Tuebingen Variant Classification Criteria Version 2. Collection method: clinical testing. Allele origin: germline. Affected: yes. Observed: 1 variant allele.
Comment: QARS1: BP4, BP7

GeneDx
Classification: Likely benign. Last evaluated: 2021-01-04. Review status: criteria provided, single submitter. Criteria: GeneDx Variant Classification Process June 2021. Collection method: clinical testing. Allele origin: germline. Affected: yes.

NM_005051.3(QARS1):c.1200C>G (p.Ala400=)

Gene: QARS1 (glutaminyl-tRNA synthetase 1; minus strand). Cytogenetic location: 3p21.31.
Variant type: single nucleotide variant.
Coding change: c.1200C>G on transcript NM_005051.3 (MANE Select); coding-DNA position 1200, C replaced by G.
Protein change: p.Ala400=; no amino-acid change (alanine 400 retained).
Molecular consequence: synonymous variant. On other transcripts: non-coding transcript variant (1).
Genome position (GRCh38, 1-based): chr3:49,100,056, G>C on the plus strand (C>G on the coding strand, the complement: QARS1 is on the minus strand). VCF-style: chr3-49100056-G-C. GRCh37 (hg19) VCF-style: chr3-49137489-G-C.
Other names: c.1167C>G, p.Ala389= (NM_001272073.2).
Identifiers: ClinVar variation 415514 (VCV000415514.34), dbSNP rs374202707, ClinGen allele CA2391844.